The following is an entry in ClinVar:

ClinVar aggregate classification (germline): Likely benign. Review status: criteria provided, multiple submitters, no conflicts (2 of 4 stars). 2 submissions from 2 submitters: Likely benign (2). Last evaluated 2026-01-13.

Allele frequency attached by ClinVar (database versions not stated): ExAC 0.00010; gnomAD exomes 0.00011; TOPMed 0.00012; gnomAD 0.00013; ESP Exome Variant Server 0.00015; 1000 Genomes Project 30x 0.00031; 1000 Genomes Project 0.00040.
gnomAD v4.1: 256 of 1,614,132 alleles (0.016%); highest among the groups gnomAD compares: Admixed American, 0.023%; no homozygotes.

Submissions (2):

Labcorp Genetics (formerly Invitae), Labcorp
Classification: Likely benign. Last evaluated: 2026-01-13. Review status: criteria provided, single submitter. Criteria: Invitae Variant Classification Sherloc (09022015). Collection method: clinical testing. Allele origin: germline.

CeGaT Center for Human Genetics Tuebingen
Classification: Likely benign. Last evaluated: 2023-12-01. Review status: criteria provided, single submitter. Criteria: CeGaT Center For Human Genetics Tuebingen Variant Classification Criteria Version 2. Collection method: clinical testing. Allele origin: germline. Affected: yes. Observed: 1 variant allele.
Comment: SIN3A: BP4, BP7

NM_001145358.2(SIN3A):c.228C>T (p.Pro76=)

Gene: SIN3A (SIN3 transcription regulator family member A; minus strand). Cytogenetic location: 15q24.2.
Variant type: single nucleotide variant.
Coding change: c.228C>T on transcript NM_001145358.2 (MANE Select); coding-DNA position 228, C replaced by T.
Protein change: p.Pro76=; no amino-acid change (proline 76 retained).
Molecular consequence: synonymous variant.
Genome position (GRCh38, 1-based): chr15:75,422,785, G>A on the plus strand (C>T on the coding strand, the complement: SIN3A is on the minus strand). VCF-style: chr15-75422785-G-A. GRCh37 (hg19) VCF-style: chr15-75715126-G-A.
Other names: c.228C>T, p.Pro76= (NM_001145357.2, NM_015477.3).
Identifiers: ClinVar variation 789332 (VCV000789332.27), dbSNP rs200111220, ClinGen allele CA7667941.